The following is an entry in ClinVar:

NM_002047.4(GARS1):c.1000A>T (p.Ile334Phe)

Gene: GARS1 (glycyl-tRNA synthetase 1; plus strand). Cytogenetic location: 7p14.3.
Variant type: single nucleotide variant.
Coding change: c.1000A>T on transcript NM_002047.4 (MANE Select); coding-DNA position 1000, A replaced by T.
Protein change: p.Ile334Phe; replaces isoleucine 334 with phenylalanine.
Molecular consequence: missense variant.
Genome position (GRCh38, 1-based): chr7:30,612,214, A>T. VCF-style: chr7-30612214-A-T. GRCh37 (hg19) VCF-style: chr7-30651830-A-T.
Other names: c.838A>T, p.Ile280Phe (NM_001316772.1); short protein forms I334F, I280F.
Identifiers: ClinVar variation 476747 (VCV000476747.18), dbSNP rs1554338260, ClinGen allele CA367125514.
Genomic context (GRCh38, chr7:30,612,214, plus strand): 5'-TTCAACCAAGGAAAGTTGCCTTTTGCTGCTGCCCAGATTGGAAATTCTTTTAGAAATGAG[A>T]TCTCCCCTCGATCTGGACTGATCAGAGTCAGGTACTGCTCAGGTTACTCTTACAAATTAG-3'
Protein context (NP_002038.2, residues 324-344): AQIGNSFRNE[Ile334Phe]SPRSGLIRVR

ClinVar aggregate classification (germline): Pathogenic. Review status: criteria provided, multiple submitters, no conflicts (2 of 4 stars). 8 submissions from 7 submitters: Pathogenic (3). 5 of the submissions do not count toward it. Last evaluated 2023-12-20.

Conditions:
Charcot-Marie-Tooth disease type 2D (CMT2D). Also called: GARS1 Adolescent- or Early Adult-Onset Hereditary Motor/Sensory Neuropathy (GARS1-HMSN); Charcot-Marie-Tooth Neuropathy Type 2D; CHARCOT-MARIE-TOOTH DISEASE, AXONAL, TYPE 2D; CHARCOT-MARIE-TOOTH DISEASE, NEURONAL, TYPE 2D. Identifiers: Orphanet 99938, MedGen C1832274, MONDO:0011091, OMIM 601472.
Neuronopathy, distal hereditary motor, type 5A (HMND5). Also called: Distal Spinal Muscular Atrophy V (dSMA-V); NEURONOPATHY, DISTAL HEREDITARY MOTOR, AUTOSOMAL DOMINANT 5; Distal Spinal Muscular Atrophy V; DHMN VA. Identifiers: Orphanet 139536, MedGen CN031873, MONDO:0015353, OMIM 600794.
Charcot-Marie-Tooth disease type 2. Also called: Charcot-Marie-Tooth type 2. Identifiers: Orphanet 64746, MedGen C0270914, MONDO:0018993.
Neuronopathy, distal hereditary motor, type 5. Also called: HMN 5A; NEUROPATHY, DISTAL HEREDITARY MOTOR, HARDING TYPE VA; SPINAL MUSCULAR ATROPHY, DISTAL, HARDING TYPE VA; SPINAL MUSCULAR ATROPHY, DISTAL, HARDING TYPE V; NEURONOPATHY, DISTAL HEREDITARY MOTOR, HARDING TYPE VA; NEURONOPATHY, DISTAL HEREDITARY MOTOR, HARDING TYPE V. Identifiers: Orphanet 139536, MedGen C1833308, MONDO:0100350.
Distal spinal muscular atrophy. Also called: Distal hereditary motor neuronopathy; Distal hereditary motor neuropathy. Identifiers: Orphanet 53739, MedGen C0393541, MONDO:0018894.
Charcot-Marie-Tooth disease. Also called: Charcot-Marie-Tooth Neuropathy; Charcot-Marie-Tooth Hereditary Neuropathy. Identifiers: Orphanet 166, MedGen C0007959, MONDO:0015626.

Submissions (8):

Labcorp Genetics (formerly Invitae), Labcorp
Classification: Pathogenic for Charcot-Marie-Tooth disease type 2. Last evaluated: 2023-12-20. Review status: criteria provided, single submitter. Criteria: Invitae Variant Classification Sherloc (09022015). Collection method: clinical testing. Allele origin: germline.
Comment: This sequence change replaces isoleucine, which is neutral and non-polar, with phenylalanine, which is neutral and non-polar, at codon 334 of the GARS protein (p.Ile334Phe). This variant is not present in population databases (gnomAD no frequency). This missense change has been observed in individuals with GARS-related conditions (PMID: 17101916, 24604904, 25476837; Invitae). It has also been observed to segregate with disease in related individuals. This variant is also known as I120F and I280F. ClinVar contains an entry for this variant (Variation ID: 476747). Advanced modeling of protein sequence and biophysical properties (such as structural, functional, and spatial information, amino acid conservation, physicochemical variation, residue mobility, and thermodynamic stability) has been performed at Invitae for this missense variant, however the output from this modeling did not meet the statistical confidence thresholds required to predict the impact of this variant on GARS protein function. Experimental studies have shown that this missense change affects GARS function (PMID: 25168514). For these reasons, this variant has been classified as Pathogenic.

GeneDx
Classification: Pathogenic. Last evaluated: 2023-05-23. Review status: criteria provided, single submitter. Criteria: GeneDx Variant Classification Process June 2021. Collection method: clinical testing. Allele origin: germline. Affected: yes.
Comment: Published functional studies show large reduction in aminoacylation activity relative to wildtype (Griffin et al., 2014); Not observed at significant frequency in large population cohorts (gnomAD); In silico analysis supports that this missense variant has a deleterious effect on protein structure/function; This variant is associated with the following publications: (PMID: 25476837, 17101916, 26503042, 26138142, 25168514, 32181591, 24604904, 35332613, 31628756)

Athena Diagnostics
Classification: Pathogenic. Last evaluated: 2019-01-15. Review status: criteria provided, single submitter. Criteria: Athena Diagnostics Criteria. Collection method: clinical testing. Allele origin: germline.
Comment: Not found in the total gnomAD dataset, and the data is high quality (0/280908 chr). Predicted to have a damaging effect on the protein. Located in potentially critical domain of the protein. Damaging to protein function(s) relevant to disease mechanism. Moderate co-segregation with disease in affected individuals from a single family.

Clinical Genetics Laboratory, University Hospital Schleswig-Holstein
Classification: Pathogenic for Neuronopathy, distal hereditary motor, type 5A. Last evaluated: 2021-06-22. Review status: no assertion criteria provided. Collection method: clinical testing. Allele origin: germline. Affected: yes. Not counted in ClinVar's aggregate classification.

Inherited Neuropathy Consortium Ii, University Of Miami
Classification: Uncertain significance for Neuronopathy, distal hereditary motor, type 5. Last evaluated: 2016-01-06. Review status: no assertion criteria provided. Collection method: literature only. Allele origin: germline. Affected: yes. Not counted in ClinVar's aggregate classification.

GeneReviews
No classification provided. Condition: Charcot-Marie-Tooth disease type 2D. Review status: no classification provided. Collection method: literature only. Allele origin: germline. Not counted in ClinVar's aggregate classification.
Comment: GARS1-HMSN (CMT2D) [James et al 2006, Griffin et al 2014]

Inherited Neuropathy Consortium
Classification: Uncertain significance for Charcot-Marie-Tooth disease. Review status: no assertion criteria provided. Collection method: literature only. Allele origin: germline. Affected: yes. Not counted in ClinVar's aggregate classification.

Inherited Neuropathy Consortium
Classification: Uncertain significance for Distal spinal muscular atrophy. Review status: no assertion criteria provided. Collection method: literature only. Allele origin: germline. Affected: yes. Not counted in ClinVar's aggregate classification.

Literature cited by the submitters: PubMed 17101916 (cited by 5 submitters); PubMed 24604904 (cited by Labcorp Genetics (formerly Invitae), Labcorp and Athena Diagnostics); PubMed 25476837 (cited by Labcorp Genetics (formerly Invitae), Labcorp and Athena Diagnostics); PubMed 25168514 (cited by 3 submitters); PubMed 17595294 (cited by Athena Diagnostics); PubMed 20301420 (cited by GeneReviews).